The following is an entry in ClinVar:

NM_138615.3(DHX30):c.450C>T (p.Ala150=)

Gene: DHX30 (DExH-box helicase 30; plus strand). Cytogenetic location: 3p21.31.
Variant type: single nucleotide variant.
Coding change: c.450C>T on transcript NM_138615.3 (MANE Select); coding-DNA position 450, C replaced by T.
Protein change: p.Ala150=; no amino-acid change (alanine 150 retained).
Molecular consequence: synonymous variant.
Genome position (GRCh38, 1-based): chr3:47,840,960, C>T. VCF-style: chr3-47840960-C-T. GRCh37 (hg19) VCF-style: chr3-47882450-C-T.
Other names: c.366C>T, p.Ala122= (NM_001330990.2); c.333C>T, p.Ala111= (NM_014966.4).
Identifiers: ClinVar variation 2653768 (VCV002653768.24), dbSNP rs781199901, ClinGen allele CA2369709.
Genomic context (GRCh38, chr3:47,840,960, plus strand): 5'-GAATGAGTTGTTTGACGCAGCCAAATACCGAGTGCTAGCTGATCGCTTTGGCTCCCCTGC[C>T]GACAGCTGGTGGCGTCCGGAACCCACCATGCCCCCTACTTCCTGGCGGCAGCTGAATCCA-3'
Protein context (NP_619520.1, residues 140-160): RVLADRFGSP[Ala150=]DSWWRPEPTM

ClinVar aggregate classification (germline): Likely benign (1 of 4 stars; one submission).

Allele frequency attached by ClinVar (database versions not stated): gnomAD 0.00001; gnomAD exomes 0.00001; ExAC 0.00002.
gnomAD v4.1: 13 of 1,614,094 alleles (0.00081%); highest among the groups gnomAD compares: East Asian, 0.0067%; no homozygotes.

Submission:

CeGaT Center for Human Genetics Tuebingen
Classification: Likely benign. Last evaluated: 2025-10-01. Review status: criteria provided, single submitter. Criteria: CeGaT Center For Human Genetics Tuebingen Variant Classification Criteria Version 2. Collection method: clinical testing. Allele origin: germline. Affected: yes. Observed: 2 variant alleles.
Comment: DHX30: BP4, BP7